The following is an entry in ClinVar:

ClinVar aggregate classification (germline): Benign. Review status: criteria provided, multiple submitters, no conflicts (2 of 4 stars). 3 submissions from 3 submitters: Benign (2). 1 of the submissions does not count toward it. Last evaluated 2025-12-29.

Conditions:
INTU-related disorder. Also called: INTU-related condition.

Allele frequency attached by ClinVar (database versions not stated): 1000 Genomes Project 30x 0.00390; ESP Exome Variant Server 0.00492; 1000 Genomes Project 0.00379.
gnomAD v4.1: 1,364 of 1,614,054 alleles (0.085%); highest among the groups gnomAD compares: African/African-American, 1.5%; 13 homozygotes.

Submissions (3):

Labcorp Genetics (formerly Invitae), Labcorp
Classification: Benign. Last evaluated: 2025-12-29. Review status: criteria provided, single submitter. Criteria: Invitae Variant Classification Sherloc (09022015). Collection method: clinical testing. Allele origin: germline.

Breakthrough Genomics
Classification: Benign. Review status: criteria provided, single submitter. Criteria: ACMG Guidelines, 2015. Collection method: not provided. Allele origin: germline. Inheritance: Autosomal recessive inheritance. Affected: yes.

PreventionGenetics, part of Exact Sciences
Classification: Benign for INTU-related condition. Last evaluated: 2019-03-22. Review status: no assertion criteria provided. Collection method: clinical testing. Allele origin: germline. Not counted in ClinVar's aggregate classification.
Comment: This variant is classified as benign based on ACMG/AMP sequence variant interpretation guidelines (Richards et al. 2015 PMID: 25741868, with internal and published modifications).

NM_015693.4(INTU):c.2114G>A (p.Arg705His)

Gene: INTU (inturned planar cell polarity protein; plus strand). Cytogenetic location: 4q28.1.
Variant type: single nucleotide variant.
Coding change: c.2114G>A on transcript NM_015693.4 (MANE Select); coding-DNA position 2114, G replaced by A.
Protein change: p.Arg705His; replaces arginine 705 with histidine.
Molecular consequence: missense variant.
Genome position (GRCh38, 1-based): chr4:127,706,812, G>A. VCF-style: chr4-127706812-G-A. GRCh37 (hg19) VCF-style: chr4-128627967-G-A.
Other names: c.2114G>A (NM_015693.3); short protein forms R705H.
Identifiers: ClinVar variation 1654060 (VCV001654060.10), dbSNP rs78533412, ClinGen allele CA3075249.
Genomic context (GRCh38, chr4:127,706,812, plus strand): 5'-AAGTAGCAACTTCTCCAACATGCAGAAGAACGCTTTTTGGTGACTATTCCTTAAAGACAC[G>A]CAAGCCTAGTCCTTCCTGTAGTAGTGGAGGATCTGACAATGGTTGTGAAGGTGGAGAAGA-3'
Protein context (NP_056508.2, residues 695-715): TLFGDYSLKT[Arg705His]KPSPSCSSGG